The following is an entry in ClinVar:

NM_177438.3(DICER1):c.4479A>G (p.Pro1493=)

Gene: DICER1 (dicer 1, ribonuclease III; minus strand). Cytogenetic location: 14q32.13.
Variant type: single nucleotide variant.
Coding change: c.4479A>G on transcript NM_177438.3 (MANE Select); coding-DNA position 4479, A replaced by G.
Protein change: p.Pro1493=; no amino-acid change (proline 1493 retained).
Molecular consequence: synonymous variant.
Genome position (GRCh38, 1-based): chr14:95,096,441, T>C on the plus strand (A>G on the coding strand, the complement: DICER1 is on the minus strand). VCF-style: chr14-95096441-T-C. GRCh37 (hg19) VCF-style: chr14-95562778-T-C.
Other names: c.4479A>G, p.Pro1493= (NM_001195573.1, NM_001271282.3, NM_001291628.2 and 1 more transcripts).
Identifiers: ClinVar variation 485541 (VCV000485541.18), dbSNP rs778417701, ClinGen allele CA7330840.

ClinVar aggregate classification (germline): Benign/Likely benign. Review status: criteria provided, multiple submitters, no conflicts (2 of 4 stars). 3 submissions from 3 submitters: Benign (1); Likely benign (2). Last evaluated 2026-04-20.

Conditions:
Hereditary cancer-predisposing syndrome. Also called: Hereditary neoplastic syndrome; Neoplastic Syndromes, Hereditary; Hereditary Cancer Syndrome; Tumor predisposition. Identifiers: Orphanet 140162, MedGen C0027672, MeSH D009386, MONDO:0015356.
DICER1-related tumor predisposition. Also called: DICER1-related pleuropulmonary blastoma cancer predisposition syndrome; DICER1 syndrome. Identifiers: Orphanet 284343, MedGen C3839822, MONDO:0100216.

Allele frequency attached by ClinVar (database versions not stated): gnomAD 0.00001; TOPMed below 0.00001; ExAC 0.00001; gnomAD exomes below 0.00001.
gnomAD v4.1: 7 of 1,614,084 alleles (0.00043%); highest among the groups gnomAD compares: Non-Finnish European, 0.00051%; no homozygotes.

Submissions (3):

Myriad Genetics, Inc.
Classification: Benign for DICER1-related tumor predisposition. Last evaluated: 2026-04-20. Review status: criteria provided, single submitter. Criteria: Myriad Autosomal Dominant, Autosomal Recessive and X-Linked Classification Criteria (2023). Collection method: clinical testing. Allele origin: unknown.
Comment: This variant is considered benign. This variant is a silent/synonymous amino acid change and it is not expected to impact splicing.

Labcorp Genetics (formerly Invitae), Labcorp
Classification: Likely benign for DICER1-related tumor predisposition. Last evaluated: 2026-01-28. Review status: criteria provided, single submitter. Criteria: Invitae Variant Classification Sherloc (09022015). Collection method: clinical testing. Allele origin: germline.

Ambry Genetics
Classification: Likely benign for Hereditary cancer-predisposing syndrome. Last evaluated: 2017-09-21. Review status: criteria provided, single submitter. Criteria: Ambry Variant Classification Scheme 2023. Collection method: clinical testing. Allele origin: germline.